The following is an entry in ClinVar:

ClinVar aggregate classification (germline): Uncertain significance (1 of 4 stars; one submission).

Conditions:
Atypical hemolytic-uremic syndrome. Identifiers: Orphanet 2134, MedGen C2931788, MONDO:0016244.

Submission:

Genomenon, Inc
Classification: Uncertain significance for Atypical hemolytic-uremic syndrome. Last evaluated: 2025-10-02. Review status: criteria provided, single submitter. Criteria: Genomenon Sequence Variant Interpretation Standards. Collection method: curation. Allele origin: germline. Affected: yes.
Comment: CD46 p.Thr307Pro (c.919A>C) is a missense variant that changes the amino acid at residue 307 from Threonine to Proline. This variant has been observed in at least one proband affected with atypical hemolytic-uremic syndrome (PMID:28750931). It is absent or not present at a significant frequency in gnomAD. In silico models agree that this variant is not damaging. In conclusion, we classify CD46 p.Thr307Pro (c.919A>C) as a variant of uncertain significance.

Literature cited by the submitters: PubMed 28750931.

NM_172351.3(CD46):c.874A>C (p.Thr292Pro)

Gene: CD46 (CD46 molecule; plus strand). Cytogenetic location: 1q32.2.
Variant type: single nucleotide variant.
Coding change: c.874A>C on transcript NM_172351.3 (MANE Select); coding-DNA position 874, A replaced by C.
Protein change: p.Thr292Pro; replaces threonine 292 with proline.
Molecular consequence: missense variant. On other transcripts: intron variant (5).
Genome position (GRCh38, 1-based): chr1:207,767,796, A>C. VCF-style: chr1-207767796-A-C. GRCh37 (hg19) VCF-style: chr1-207941141-A-C.
Other names: c.919A>C, p.Thr307Pro (NM_002389.4, NM_172359.3); c.874A>C, p.Thr292Pro (NM_153826.4, NM_172355.3, NM_172356.3 and 1 more transcripts); c.856+601A>C (NM_172352.3, NM_172353.3, NM_172350.3 and 2 more transcripts); short protein forms T292P, T307P.
Identifiers: ClinVar variation 4291195 (VCV004291195.1).
Genomic context (GRCh38, chr1:207,767,796, plus strand): 5'-CCCAAGTGTTTGGTCCAATCTACATTATTATTTTGTTTTCCAGTGTCGACTTCTTCCACT[A>C]CAAAATCTCCAGCGTCCAGTGCCTCAGGTTTAGTAATTTCCTGCTTATAGTTTTTCAAAA-3'
Protein context (NP_758861.1, residues 282-302): KCLKVSTSST[Thr292Pro]KSPASSASGP